The following is an entry in ClinVar:

ClinVar aggregate classification (germline): Pathogenic/Likely pathogenic. Review status: criteria provided, multiple submitters, no conflicts (2 of 4 stars). 4 submissions from 4 submitters: Pathogenic (2); Likely pathogenic (2). Last evaluated 2024-10-02.

Conditions:
Propionic acidemia (PROP). Also called: GLYCINEMIA, KETOTIC; HYPERGLYCINEMIA WITH KETOACIDOSIS AND LEUKOPENIA; KETOTIC HYPERGLYCINEMIA. Identifiers: Orphanet 35, MedGen C0268579, MONDO:0011628, OMIM 606054, HP:0003571.

Submissions (4):

Natera, Inc.
Classification: Likely pathogenic for Propionic acidemia. Last evaluated: 2024-10-02. Review status: criteria provided, single submitter. Criteria: Natera Variant Classification Schema (03/2026). Collection method: clinical testing. Allele origin: germline.
Comment: The c.645dup variant in PCCA is a frameshift variant predicted to shift the reading frame beginning at codon 216 and leads to a stop codon 20 codons downstream. This variant is expected to result in nonsense mediated decay, truncation, or a dysfunctional protein product. This variant is rare in the general population with a frequency below the threshold expected for the associated phenotype(s). Given the available evidence, this variant is classified as Likely Pathogenic.

Myriad Genetics, Inc.
Classification: Pathogenic for Propionic acidemia. Last evaluated: 2023-12-12. Review status: criteria provided, single submitter. Criteria: Myriad Autosomal Dominant, Autosomal Recessive and X-Linked Classification Criteria (2023). Collection method: clinical testing. Allele origin: unknown.
Comment: NM_000282.3(PCCA):c.645dupT(V216Cfs*20) is expected to be pathogenic in the context of PCCA-related propionic acidemia. This variant is predicted to lead to an abnormal or absent protein product due to the creation of a premature termination codon in PCCA, a gene where loss-of-function variants are known to be pathogenic. Please note: this variant was assessed in the context of healthy population screening.

Women's Health and Genetics/Laboratory Corporation of America, LabCorp
Classification: Likely pathogenic for Propionic acidemia. Last evaluated: 2022-09-14. Review status: criteria provided, single submitter. Criteria: LabCorp Variant Classification Summary - May 2015. Collection method: clinical testing. Allele origin: germline.
Comment: Variant summary: PCCA c.645dupT (p.Val216CysfsX20) results in a premature termination codon, predicted to cause a truncation of the encoded protein or absence of the protein due to nonsense mediated decay, which are commonly known mechanisms for disease. Truncations downstream of this position have been classified as pathogenic by our laboratory. The variant was absent in 250484 control chromosomes (gnomAD). To our knowledge, no occurrence of c.645dupT in individuals affected with Propionic Acidemia and no experimental evidence demonstrating its impact on protein function have been reported. No clinical diagnostic laboratories have submitted clinical-significance assessments for this variant to ClinVar after 2014. Based on the evidence outlined above, the variant was classified as likely pathogenic.

Labcorp Genetics (formerly Invitae), Labcorp
Classification: Pathogenic for Propionic acidemia. Last evaluated: 2022-08-04. Review status: criteria provided, single submitter. Criteria: Invitae Variant Classification Sherloc (09022015). Collection method: clinical testing. Allele origin: germline.
Comment: This variant has not been reported in the literature in individuals affected with PCCA-related conditions. For these reasons, this variant has been classified as Pathogenic. Algorithms developed to predict the effect of sequence changes on RNA splicing suggest that this variant may disrupt the consensus splice site. This variant is not present in population databases (gnomAD no frequency). This sequence change creates a premature translational stop signal (p.Val216Cysfs*20) in the PCCA gene. It is expected to result in an absent or disrupted protein product. Loss-of-function variants in PCCA are known to be pathogenic (PMID: 15464417).

Literature cited by the submitters: PubMed 15464417 (cited by Labcorp Genetics (formerly Invitae), Labcorp).

NM_000282.4(PCCA):c.645dup (p.Val216fs)

Gene: PCCA (propionyl-CoA carboxylase subunit alpha; plus strand). Cytogenetic location: 13q32.3.
Variant type: Duplication.
Coding change: c.645dup on transcript NM_000282.4 (MANE Select); coding-DNA position 645, one base duplicated (T; older notation c.645dupT).
Protein change: p.Val216fs; shifts the reading frame from valine 216.
Molecular consequence: frameshift variant. On other transcripts: non-coding transcript variant (5), intron variant (3).
Genome position (GRCh38, 1-based): chr13:100,257,602, T duplicated. VCF-style (leftmost placement, unchanged base first): chr13-100257601-C-CT. GRCh37 (hg19) VCF-style: chr13-100909855-C-CT.
Other names: c.567dup, p.Val190fs (NM_001127692.3, NM_001352607.2, NM_001352608.2); c.645dup, p.Val216fs (NM_001178004.2, NM_001352605.2, NM_001352606.2 and 1 more transcripts); c.-229-5127dup (NM_001352610.2, NM_001352611.2, NM_001352612.2); c.645dupT (NM_000282.3); c.645dup (NM_000282.3); short protein forms V190fs, V216fs.
Identifiers: ClinVar variation 1722344 (VCV001722344.8), dbSNP rs2547899507, ClinGen allele CA2580087036.